The following is an entry in ClinVar:

NM_003245.4(TGM3):c.1801-3T>C

Gene: TGM3 (transglutaminase 3; plus strand). Cytogenetic location: 20p13.
Variant type: single nucleotide variant.
Coding change: c.1801-3T>C on transcript NM_003245.4 (MANE Select); 3 bases into the intron before coding-DNA position 1801, T replaced by C.
Molecular consequence: intron variant.
Genome position (GRCh38, 1-based): chr20:2,339,851, T>C. VCF-style: chr20-2339851-T-C. GRCh37 (hg19) VCF-style: chr20-2320497-T-C.
Identifiers: ClinVar variation 4984361 (VCV004984361.1).

ClinVar aggregate classification (germline): Benign (1 of 4 stars; one submission).

Conditions:
TGM3-related disorder. Also called: TGM3-related condition.

gnomAD v4.1: 1,663 of 1,613,852 alleles (0.1%); highest among the groups gnomAD compares: South Asian, 1.2%; 34 homozygotes.

Submission:

PreventionGenetics, part of Exact Sciences
Classification: Benign for TGM3-related condition. Last evaluated: 2026-08-13. Review status: criteria provided, single submitter. Criteria: ACMG Guidelines, 2015. Collection method: clinical testing. Allele origin: germline.
Comment: This variant is classified as benign based on ACMG/AMP sequence variant interpretation guidelines (Richards et al. 2015 PMID: 25741868, with internal and published modifications).